The following is an entry in ClinVar:

ClinVar aggregate classification (germline): Uncertain significance (1 of 4 stars; one submission).

Conditions:
Cardiovascular phenotype. Identifiers: MedGen CN230736.

Allele frequency attached by ClinVar (database versions not stated): gnomAD exomes below 0.00001.

Submission:

Ambry Genetics
Classification: Uncertain significance for Cardiovascular phenotype. Last evaluated: 2024-03-05. Review status: criteria provided, single submitter. Criteria: Ambry Variant Classification Scheme 2023. Collection method: clinical testing. Allele origin: germline.
Comment: The p.Q188R variant (also known as c.563A>G), located in coding exon 1 of the DES gene, results from an A to G substitution at nucleotide position 563. The glutamine at codon 188 is replaced by arginine, an amino acid with highly similar properties. This amino acid position is conserved. In addition, the in silico prediction for this alteration is inconclusive. Based on the available evidence, the clinical significance of this alteration remains unclear.

NM_001927.4(DES):c.563A>G (p.Gln188Arg)

Gene: DES (desmin; plus strand). Cytogenetic location: 2q35.
Variant type: single nucleotide variant.
Coding change: c.563A>G on transcript NM_001927.4 (MANE Select); coding-DNA position 563, A replaced by G.
Protein change: p.Gln188Arg; replaces glutamine 188 with arginine.
Molecular consequence: missense variant. On other transcripts: intron variant (1).
Genome position (GRCh38, 1-based): chr2:219,419,025, A>G. VCF-style: chr2-219419025-A-G. GRCh37 (hg19) VCF-style: chr2-220283747-A-G.
Other names: c.563A>G, p.Gln188Arg (NM_001382708.1, NM_001382709.1, NM_001382710.1 and 2 more transcripts); c.495+68A>G (NM_001382713.1); short protein forms Q188R.
Identifiers: ClinVar variation 3221932 (VCV003221932.1), dbSNP rs2545248474, ClinGen allele CA350687136.
Genomic context (GRCh38, chr2:219,419,025, plus strand): 5'-TGCTCACTAACCAGCGCGCGCGCGTCGACGTCGAGCGCGACAACCTGCTCGACGACCTGC[A>G]GCGGCTCAAGGCCAAGTGAGGGCCCGGCACCCCAGACTCCTCTTTCTGCGGGCAGGGCAC-3'
Protein context (NP_001918.3, residues 178-198): VERDNLLDDL[Gln188Arg]RLKAKLQEEI